The following is an entry in ClinVar:

ClinVar aggregate classification (germline): Uncertain significance (1 of 4 stars; one submission).

gnomAD v4.1: 7 of 1,614,022 alleles (0.00043%); highest among the groups gnomAD compares: Admixed American, 0.0017%; no homozygotes.

Submission:

Labcorp Genetics (formerly Invitae), Labcorp
Classification: Uncertain significance. Last evaluated: 2025-04-21. Review status: criteria provided, single submitter. Criteria: Invitae Variant Classification Sherloc (09022015). Collection method: clinical testing. Allele origin: germline.
Comment: This sequence change replaces threonine, which is neutral and polar, with arginine, which is basic and polar, at codon 1767 of the SRCAP protein (p.Thr1767Arg). This variant is not present in population databases (gnomAD no frequency). This variant has not been reported in the literature in individuals affected with SRCAP-related conditions. Invitae Evidence Modeling of protein sequence and biophysical properties (such as structural, functional, and spatial information, amino acid conservation, physicochemical variation, residue mobility, and thermodynamic stability) indicates that this missense variant is not expected to disrupt SRCAP protein function with a negative predictive value of 80%. In summary, the available evidence is currently insufficient to determine the role of this variant in disease. Therefore, it has been classified as a Variant of Uncertain Significance.

NM_006662.3(SRCAP):c.5300C>G (p.Thr1767Arg)

Gene: SRCAP (Snf2 related CREBBP activator protein; plus strand). Cytogenetic location: 16p11.2.
Variant type: single nucleotide variant.
Coding change: c.5300C>G on transcript NM_006662.3 (MANE Select); coding-DNA position 5300, C replaced by G.
Protein change: p.Thr1767Arg; replaces threonine 1767 with arginine.
Molecular consequence: missense variant.
Genome position (GRCh38, 1-based): chr16:30,724,724, C>G. VCF-style: chr16-30724724-C-G. GRCh37 (hg19) VCF-style: chr16-30736045-C-G.
Other names: short protein forms T1767R.
Identifiers: ClinVar variation 4696365 (VCV004696365.1).
Genomic context (GRCh38, chr16:30,724,724, plus strand): 5'-CTCTGGCTCCAGCACCCCCTCTGGCTCCAGCTTCTCCAGTGGGCCCAGCCCCAGCTCACA[C>G]GCTGACTTTGGCTCCAGCATCGTCATCTGCTTCACTCCTGGCCCCAGCTTCAGTGCAGAC-3'
Protein context (NP_006653.2, residues 1757-1777): ASPVGPAPAH[Thr1767Arg]LTLAPASSSA